The following is an entry in ClinVar:

ClinVar aggregate classification (germline): Uncertain significance (1 of 4 stars; one submission).

Conditions:
Weaver syndrome (WVS). Also called: Weaver Smith syndrome; Overgrowth syndrome with accelerated skeletal maturation, unusual facies, and camptodactyly. Identifiers: Orphanet 3447, MedGen C0265210, MONDO:0010193, OMIM 277590.

Submission:

Labcorp Genetics (formerly Invitae), Labcorp
Classification: Uncertain significance for Weaver syndrome. Last evaluated: 2023-06-03. Review status: criteria provided, single submitter. Criteria: Invitae Variant Classification Sherloc (09022015). Collection method: clinical testing. Allele origin: germline.
Comment: This variant is not present in population databases (gnomAD no frequency). This sequence change replaces isoleucine, which is neutral and non-polar, with leucine, which is neutral and non-polar, at codon 643 of the EZH2 protein (p.Ile643Leu). Advanced modeling of protein sequence and biophysical properties (such as structural, functional, and spatial information, amino acid conservation, physicochemical variation, residue mobility, and thermodynamic stability) has been performed at Invitae for this missense variant, however the output from this modeling did not meet the statistical confidence thresholds required to predict the impact of this variant on EZH2 protein function. In summary, the available evidence is currently insufficient to determine the role of this variant in disease. Therefore, it has been classified as a Variant of Uncertain Significance. This variant has not been reported in the literature in individuals affected with EZH2-related conditions.

NM_004456.5(EZH2):c.1927A>C (p.Ile643Leu)

Gene: EZH2 (enhancer of zeste 2 polycomb repressive complex 2 subunit; minus strand). Cytogenetic location: 7q36.1.
Variant type: single nucleotide variant.
Coding change: c.1927A>C on transcript NM_004456.5 (MANE Select); coding-DNA position 1927, A replaced by C.
Protein change: p.Ile643Leu; replaces isoleucine 643 with leucine.
Molecular consequence: missense variant.
Genome position (GRCh38, 1-based): chr7:148,811,645, T>G on the plus strand (A>C on the coding strand, the complement: EZH2 is on the minus strand). VCF-style: chr7-148811645-T-G. GRCh37 (hg19) VCF-style: chr7-148508737-T-G.
Other names: c.1912A>C, p.Ile638Leu (NM_001203247.2); c.1885A>C, p.Ile629Leu (NM_001203248.2); c.1759A>C, p.Ile587Leu (NM_001203249.2); c.1795A>C, p.Ile599Leu (NM_152998.3); short protein forms I599L, I638L, I587L, I643L, I629L.
Identifiers: ClinVar variation 2762176 (VCV002762176.3), dbSNP rs2129469014, ClinGen allele CA369713057.